The following is an entry in ClinVar:

NM_002907.4(RECQL):c.649G>A (p.Ala217Thr)

Gene: RECQL (RecQ like helicase; minus strand). Cytogenetic location: 12p12.1.
Variant type: single nucleotide variant.
Coding change: c.649G>A on transcript NM_002907.4 (MANE Select); coding-DNA position 649, G replaced by A.
Protein change: p.Ala217Thr; replaces alanine 217 with threonine.
Molecular consequence: missense variant.
Genome position (GRCh38, 1-based): chr12:21,483,427, C>T on the plus strand (G>A on the coding strand, the complement: RECQL is on the minus strand). VCF-style: chr12-21483427-C-T. GRCh37 (hg19) VCF-style: chr12-21636361-C-T.
Other names: c.649G>A, p.Ala217Thr (NM_032941.3); short protein forms A217T.
Identifiers: ClinVar variation 1753879 (VCV001753879.2), dbSNP rs2137373865, ClinGen allele CA384126924.
Genomic context (GRCh38, chr12:21,483,427, plus strand): 5'-CATACATACCAGGTCTGAAATCATGTCCCCACTGACTACAGCAGTGAACTTCATCCACAG[C>T]AATTCGAGTAAATCTCCTTGCTTCATAGGCTTTCTCTAGTCTTGACATAAACATTTTGCT-3'
Protein context (NP_002898.2, residues 207-227): AYEARRFTRI[Ala217Thr]VDEVHCCSQW

ClinVar aggregate classification (germline): Uncertain significance (1 of 4 stars; one submission).

Submission:

Ambry Genetics
Classification: Uncertain significance. Last evaluated: 2021-06-15. Review status: criteria provided, single submitter. Criteria: Ambry Variant Classification Scheme 2023. Collection method: clinical testing. Allele origin: germline.
Comment: The p.A217T variant (also known as c.649G>A), located in coding exon 5 of the RECQL gene, results from a G to A substitution at nucleotide position 649. The alanine at codon 217 is replaced by threonine, an amino acid with similar properties. This amino acid position is conserved. In addition, the in silico prediction for this alteration is inconclusive. Since supporting evidence is limited at this time, the clinical significance of this alteration remains unclear.